The following is an entry in ClinVar:

NM_001368882.1(COL13A1):c.328G>A (p.Ala110Thr)

Gene: COL13A1 (collagen type XIII alpha 1 chain; plus strand). Cytogenetic location: 10q22.1.
Variant type: single nucleotide variant.
Coding change: c.328G>A on transcript NM_001368882.1 (MANE Select); coding-DNA position 328, G replaced by A.
Protein change: p.Ala110Thr; replaces alanine 110 with threonine.
Molecular consequence: missense variant. On other transcripts: 5 prime UTR variant (1).
Genome position (GRCh38, 1-based): chr10:69,822,402, G>A. VCF-style: chr10-69822402-G-A. GRCh37 (hg19) VCF-style: chr10-71582158-G-A.
Other names: c.328G>A, p.Ala110Thr (NM_001130103.2, NM_001320951.2, NM_001368883.1 and 11 more transcripts); c.-326G>A (NM_001368886.1); short protein forms A110T.
Identifiers: ClinVar variation 1520806 (VCV001520806.6), dbSNP rs2132621496, ClinGen allele CA376962174.

ClinVar aggregate classification (germline): Uncertain significance (1 of 4 stars; one submission).

Allele frequency attached by ClinVar (database versions not stated): gnomAD exomes below 0.00001.
gnomAD v4.1: 1 of 1,594,310 alleles (0.000063%); highest among the groups gnomAD compares: Non-Finnish European, 0.000085%; no homozygotes.

Submission:

Labcorp Genetics (formerly Invitae), Labcorp
Classification: Uncertain significance. Last evaluated: 2021-09-23. Review status: criteria provided, single submitter. Criteria: Invitae Variant Classification Sherloc (09022015). Collection method: clinical testing. Allele origin: germline.
Comment: This sequence change replaces alanine with threonine at codon 110 of the COL13A1 protein (p.Ala110Thr). The alanine residue is moderately conserved and there is a small physicochemical difference between alanine and threonine. This variant is not present in population databases (ExAC no frequency). This variant has not been reported in the literature in individuals affected with COL13A1-related conditions. Algorithms developed to predict the effect of missense changes on protein structure and function output the following: SIFT: "Tolerated"; PolyPhen-2: "Probably Damaging"; Align-GVGD: "Class C0". The threonine amino acid residue is found in multiple mammalian species, which suggests that this missense change does not adversely affect protein function. In summary, the available evidence is currently insufficient to determine the role of this variant in disease. Therefore, it has been classified as a Variant of Uncertain Significance.